The following is an entry in ClinVar:

ClinVar aggregate classification (germline): Uncertain significance (1 of 4 stars; one submission).

Conditions:
Spastic paraplegia. Identifiers: MedGen C0037772, HP:0001258.

gnomAD v4.1: 1 of 1,614,196 alleles (0.000062%); highest among the groups gnomAD compares: Non-Finnish European, 0.000085%; no homozygotes.

Submission:

Labcorp Genetics (formerly Invitae), Labcorp
Classification: Uncertain significance for Spastic paraplegia. Last evaluated: 2024-07-11. Review status: criteria provided, single submitter. Criteria: Invitae Variant Classification Sherloc (09022015). Collection method: clinical testing. Allele origin: germline.
Comment: This sequence change replaces leucine, which is neutral and non-polar, with arginine, which is basic and polar, at codon 25 of the KIF5A protein (p.Leu25Arg). This variant is not present in population databases (gnomAD no frequency). This variant has not been reported in the literature in individuals affected with KIF5A-related conditions. Advanced modeling of protein sequence and biophysical properties (such as structural, functional, and spatial information, amino acid conservation, physicochemical variation, residue mobility, and thermodynamic stability) performed at Invitae indicates that this missense variant is not expected to disrupt KIF5A protein function with a negative predictive value of 95%. In summary, the available evidence is currently insufficient to determine the role of this variant in disease. Therefore, it has been classified as a Variant of Uncertain Significance.

NM_004984.4(KIF5A):c.74T>G (p.Leu25Arg)

Gene: KIF5A (kinesin family member 5A; plus strand). Cytogenetic location: 12q13.3.
Variant type: single nucleotide variant.
Coding change: c.74T>G on transcript NM_004984.4 (MANE Select); coding-DNA position 74, T replaced by G.
Protein change: p.Leu25Arg; replaces leucine 25 with arginine.
Molecular consequence: missense variant.
Genome position (GRCh38, 1-based): chr12:57,550,345, T>G. VCF-style: chr12-57550345-T-G. GRCh37 (hg19) VCF-style: chr12-57944128-T-G.
Other names: c.74T>G, p.Leu25Arg (NM_001354705.2); short protein forms L25R.
Identifiers: ClinVar variation 3685212 (VCV003685212.2).
Genomic context (GRCh38, chr12:57,550,345, plus strand): 5'-ACAACGAATGTAGCATCAAGGTGCTCTGCCGATTCCGGCCCCTGAACCAGGCTGAGATTC[T>G]GCGGGGAGACAAGTTCATCCCCATTTTCCAAGGGGACGACAGCGTCGTTATTGGGGTGAG-3'
Protein context (NP_004975.2, residues 15-35): RFRPLNQAEI[Leu25Arg]RGDKFIPIFQ